The following is an entry in ClinVar:

ClinVar aggregate classification (germline): Benign/Likely benign. Review status: criteria provided, multiple submitters, no conflicts (2 of 4 stars). 3 submissions from 3 submitters: Benign (1); Likely benign (1). 1 of the submissions does not count toward it. Last evaluated 2026-02-01.

Conditions:
DNAH8-related disorder. Also called: DNAH8-related condition.
Primary ciliary dyskinesia. Also called: Ciliary dyskinesia. Identifiers: Orphanet 244, MedGen C0008780, MONDO:0016575, HP:0012265.

Allele frequency attached by ClinVar (database versions not stated): gnomAD exomes 0.00025 and 0.00070; ExAC 0.00098; gnomAD 0.00265 and 0.00282; TOPMed 0.00298; 1000 Genomes Project 0.00300; 1000 Genomes Project 30x 0.00375; ESP Exome Variant Server 0.00384.
gnomAD v4.1: 780 of 1,611,562 alleles (0.048%); highest among the groups gnomAD compares: African/African-American, 0.93%; 6 homozygotes.

Submissions (3):

Labcorp Genetics (formerly Invitae), Labcorp
Classification: Benign for Primary ciliary dyskinesia. Last evaluated: 2026-02-01. Review status: criteria provided, single submitter. Criteria: Invitae Variant Classification Sherloc (09022015). Collection method: clinical testing. Allele origin: germline.

Blueprint Genetics
Classification: Likely benign. Last evaluated: 2024-09-20. Review status: criteria provided, single submitter. Criteria: ACMG Guidelines, 2015. Collection method: clinical testing. Allele origin: germline.

PreventionGenetics, part of Exact Sciences
Classification: Likely benign for DNAH8-related condition. Last evaluated: 2024-08-30. Review status: no assertion criteria provided. Collection method: clinical testing. Allele origin: germline. Not counted in ClinVar's aggregate classification.
Comment: This variant is classified as likely benign based on ACMG/AMP sequence variant interpretation guidelines (Richards et al. 2015 PMID: 25741868, with internal and published modifications).

NM_001206927.2(DNAH8):c.2526G>A (p.Gln842=)

Gene: DNAH8 (dynein axonemal heavy chain 8; plus strand). Cytogenetic location: 6p21.2.
Variant type: single nucleotide variant.
Coding change: c.2526G>A on transcript NM_001206927.2 (MANE Select); coding-DNA position 2526, G replaced by A.
Protein change: p.Gln842=; no amino-acid change (glutamine 842 retained).
Molecular consequence: synonymous variant.
Genome position (GRCh38, 1-based): chr6:38,786,895, G>A. VCF-style: chr6-38786895-G-A. GRCh37 (hg19) VCF-style: chr6-38754671-G-A.
Other names: c.1875G>A, p.Gln625= (NM_001371.4).
Identifiers: ClinVar variation 454563 (VCV000454563.14), dbSNP rs141289823, ClinGen allele CA3788534.